The following is an entry in ClinVar:

ClinVar aggregate classification (germline): Uncertain significance (1 of 4 stars; one submission).

Conditions:
Pheochromocytoma/paraganglioma syndrome 3. Also called: GLOMUS TUMORS, FAMILIAL, 3; SDHC-Related Hereditary Paraganglioma-Pheochromocytoma Syndrome; SDHC-Related Hereditary Paraganglioma-Pheochromocytoma Syndrome (Paragangliomas 3); Paragangliomas 3. Identifiers: Orphanet 29072, MedGen C1854336, MONDO:0011544, OMIM 605373.
Gastrointestinal stromal tumor. Also called: Gastrointestinal stroma tumor; Gastrointestinal stromal tumor, somatic. Identifiers: Orphanet 44890, MedGen C0238198, MeSH D046152, MONDO:0011719, OMIM 606764, HP:0100723.

Submission:

Labcorp Genetics (formerly Invitae), Labcorp
Classification: Uncertain significance for Pheochromocytoma/paraganglioma syndrome 3; Gastrointestinal stromal tumor. Last evaluated: 2022-09-02. Review status: criteria provided, single submitter. Criteria: Invitae Variant Classification Sherloc (09022015). Collection method: clinical testing. Allele origin: germline.
Comment: In summary, the available evidence is currently insufficient to determine the role of this variant in disease. Therefore, it has been classified as a Variant of Uncertain Significance. Algorithms developed to predict the effect of missense changes on protein structure and function are either unavailable or do not agree on the potential impact of this missense change (SIFT: "Deleterious"; PolyPhen-2: "Possibly Damaging"; Align-GVGD: "Class C0"). This variant has not been reported in the literature in individuals affected with SDHC-related conditions. This variant is not present in population databases (gnomAD no frequency). This sequence change replaces serine, which is neutral and polar, with arginine, which is basic and polar, at codon 79 of the SDHC protein (p.Ser79Arg).

NM_003001.5(SDHC):c.237T>G (p.Ser79Arg)

Gene: SDHC (succinate dehydrogenase complex subunit C; plus strand). Cytogenetic location: 1q23.3.
Variant type: single nucleotide variant.
Coding change: c.237T>G on transcript NM_003001.5 (MANE Select); coding-DNA position 237, T replaced by G.
Protein change: p.Ser79Arg; replaces serine 79 with arginine.
Molecular consequence: missense variant.
Genome position (GRCh38, 1-based): chr1:161,340,651, T>G. VCF-style: chr1-161340651-T-G. GRCh37 (hg19) VCF-style: chr1-161310441-T-G.
Other names: c.237T>G, p.Ser79Arg (NM_001035511.3); c.135T>G, p.Ser45Arg (NM_001035512.3, NM_001278172.3); c.78T>G, p.Ser26Arg (NM_001035513.3); c.357T>G, p.Ser119Arg (NM_001407115.1); c.180T>G, p.Ser60Arg (NM_001407116.1, NM_001407121.1); c.126T>G, p.Ser42Arg (NM_001407119.1, NM_001407120.1); short protein forms S119R, S26R, S42R, S45R, S60R, S79R.
Identifiers: ClinVar variation 1718636 (VCV001718636.6), dbSNP rs2526445461, ClinGen allele CA343366134.